The following is an entry in ClinVar:

ClinVar aggregate classification (germline): Pathogenic/Likely pathogenic. Review status: criteria provided, multiple submitters, no conflicts (2 of 4 stars). 7 submissions from 7 submitters: Pathogenic (4); Likely pathogenic (2). 1 of the submissions does not count toward it. Last evaluated 2026-03-22.

Conditions:
Autosomal recessive nonsyndromic hearing loss 1A (DFNB1A). Also called: GJB6-Related DFNB 1 Nonsyndromic Hearing Loss and Deafness; Deafness, autosomal recessive 1A; Deafness nonsyndromic, Connexin 26 linked; Connexin 26 deafness; Nonsyndromic Hearing Loss and Deafness, DFNB1; GJB2-Related Autosomal Recessive Nonsyndromic Hearing Loss. Identifiers: Orphanet 90636, MedGen C2673759, MONDO:0009076, OMIM 220290.
Mutilating keratoderma (VOWNKL). Also called: Keratoderma hereditarium mutilans. Identifiers: Orphanet 494, MedGen C0265964, MONDO:0007422, OMIM 124500.
Ichthyosis, hystrix-like, with hearing loss. Also called: Hystrix-like ichthyosis with deafness. Identifiers: Orphanet 477, MedGen C1865234, MONDO:0011245.
Palmoplantar keratoderma-deafness syndrome. Also called: Keratoderma palmoplantar, with deafness; Palmoplantar keratoderma and sensorineural deafness; Hereditary palmoplantar keratoderma with deafness (subtype); Focal palmoplantar keratoderma with sensorineural deafness (subtype); Diffuse palmoplantar keratoderma with deafness (subtype). Identifiers: Orphanet 2202, MedGen C1835672, MONDO:0007852, OMIM 148350.
Knuckle pads, deafness AND leukonychia syndrome. Also called: Bart-Pumphrey syndrome. Identifiers: Orphanet 2698, MedGen C0266004, MONDO:0007866, OMIM 149200.
Autosomal dominant keratitis-ichthyosis-hearing loss syndrome. Also called: HID SYNDROME; Senter syndrome; KID SYNDROME, AUTOSOMAL DOMINANT. Identifiers: Orphanet 477, MedGen C0265336, MONDO:0007850, OMIM 148210.
Autosomal dominant nonsyndromic hearing loss 3A. Identifiers: Orphanet 90635, MedGen C2675750, MONDO:0011103, OMIM 601544.

Submissions (7):

Department of Otolaryngology-Head and Neck Surgery, Shanghai Jiao Tong University Affiliated Sixth People’s Hospital
Classification: Pathogenic for Autosomal recessive nonsyndromic hearing loss 1A. Last evaluated: 2026-03-22. Review status: criteria provided, single submitter. Criteria: ACMG Guidelines, 2015. Collection method: provider interpretation. Allele origin: germline. Inheritance: Autosomal recessive inheritance. Affected: yes. Observed: 1 variant allele, 1 compound heterozygote.
Comment: PVS1 (Very Strong): Frameshift variant predicted to undergo nonsense-mediated mRNA decay (NMD); loss-of-function (LOF) is a well-established disease mechanism for GJB2. PM2_Supporting: Absent from population databases (gnomAD, ESP, 1000 Genomes; allele frequency = 0). PM3_Strong: Detected in trans with a known pathogenic variant in multiple compound heterozygous cases (based on internal laboratory data and ClinVar entries （Accession: VCV000627447.17）; PMID: 12393046, 23826813). Conclusion: Based on the above evidence, this variant is classified as Pathogenic.

Women's Health and Genetics/Laboratory Corporation of America, LabCorp
Classification: Pathogenic for Autosomal recessive nonsyndromic hearing loss 1A. Last evaluated: 2025-12-24. Review status: criteria provided, single submitter. Criteria: LabCorp Variant Classification Summary - May 2015. Collection method: clinical testing. Allele origin: germline.
Comment: Variant summary: GJB2 c.560_605dup46 (p.Cys202X) results in a premature termination codon, predicted to cause a truncation of the encoded protein or absence of the protein, which are commonly known mechanisms for disease. The variant was absent in 251208 control chromosomes. c.560_605dup46 has been observed in individual(s) affected with autosomal recessive nonsyndromic deafness (examples: Yuge_2002, Wei_2013). These data indicate that the variant is likely to be associated with disease. The following publications have been ascertained in the context of this evaluation (PMID: 23826813, 12393046). ClinVar contains an entry for this variant (Variation ID: 627447). To our knowledge, this variant has not been reported in individuals with Autosomal Dominant Non-Syndromic Hearing Loss. Based on the evidence outlined above, the variant was classified as pathogenic for Autosomal Recessive Non-Syndromic Hearing Loss.

Fulgent Genetics
Classification: Likely pathogenic for Mutilating keratoderma; Autosomal dominant keratitis-ichthyosis-hearing loss syndrome; Palmoplantar keratoderma-deafness syndrome; Knuckle pads, deafness AND leukonychia syndrome; Autosomal recessive nonsyndromic hearing loss 1A; Autosomal dominant nonsyndromic hearing loss 3A. Last evaluated: 2024-01-11. Review status: criteria provided, single submitter. Criteria: ACMG Guidelines, 2015. Collection method: clinical testing. Allele origin: germline.

Labcorp Genetics (formerly Invitae), Labcorp
Classification: Pathogenic. Last evaluated: 2023-08-22. Review status: criteria provided, single submitter. Criteria: Invitae Variant Classification Sherloc (09022015). Collection method: clinical testing. Allele origin: germline.
Comment: This sequence change creates a premature translational stop signal (p.Cys202*) in the GJB2 gene. While this is not anticipated to result in nonsense mediated decay, it is expected to disrupt the last 25 amino acid(s) of the GJB2 protein. This variant is not present in population databases (gnomAD no frequency). For these reasons, this variant has been classified as Pathogenic. This premature translational stop signal has been observed in individual(s) with autosomal recessive nonsyndromic deafness (PMID: 23141775). ClinVar contains an entry for this variant (Variation ID: 627447). This variant disrupts a region of the GJB2 protein in which other variant(s) (p.Leu213*, p.Cys211*) have been determined to be pathogenic (PMID: 15150777, 23141775). This suggests that this is a clinically significant region of the protein, and that variants that disrupt it are likely to be disease-causing.

3billion
Classification: Likely pathogenic for Autosomal dominant nonsyndromic hearing loss 3A. Last evaluated: 2022-01-03. Review status: criteria provided, single submitter. Criteria: ACMG Guidelines, 2015. Collection method: clinical testing. Allele origin: germline. Affected: yes. Observed: 1 heterozygote.
Comment: Stop-gained (nonsense): predicted to result in a loss or disruption of normal protein function through protein truncation. Multiple pathogenic variants are reported in the predicted truncated region (PVS1_S). The variant has been reported to be in trans with a pathogenic variant as either compound heterozygous or homozygous in at least one similarly affected unrelated individual (PMID: 23141775, PM3_M). It is not observed in the gnomAD v2.1.1 dataset (PM2_M). The variant has been reported to co-segregate with the disease in at least one similarly affected relative/individual in the same family or similarly affected unrelated family (PMID: 23141775, PP1_P).Therefore, this variant is classified as likely pathogenic according to the recommendation of ACMG/AMP guideline.

Juno Genomics, Hangzhou Juno Genomics, Inc
Classification: Pathogenic for Knuckle pads, deafness AND leukonychia syndrome; Autosomal dominant nonsyndromic hearing loss 3A; Autosomal recessive nonsyndromic hearing loss 1A; Autosomal dominant keratitis-ichthyosis-hearing loss syndrome; Palmoplantar keratoderma-deafness syndrome; Mutilating keratoderma. Review status: criteria provided, single submitter. Criteria: ACMG Guidelines, 2015. Collection method: clinical testing. Allele origin: germline.
Comment: Absent from controls (or at extremely low frequency if recessive) in Genome Aggregation Database.;Null variant in a gene where loss of function (LOF) is a known mechanism of disease.;For recessive disorders, detected in trans with a pathogenic variant.

Genetic Testing Center for Deafness, Department of Otolaryngology Head & Neck Surgery, Institute of Otolaryngology, Chinese PLA General Hospital
Classification: Pathogenic for Autosomal recessive nonsyndromic hearing loss 1A. Last evaluated: 2019-02-26. Review status: no assertion criteria provided. Collection method: case-control. Allele origin: inherited. Affected: yes. Observed: 1 variant allele. Not counted in ClinVar's aggregate classification.

Literature cited by the submitters: PubMed 12393046 (cited by Department of Otolaryngology-Head and Neck Surgery, Shanghai Jiao Tong University Affiliated Sixth People’s Hospital and Women's Health and Genetics/Laboratory Corporation of America, LabCorp); PubMed 23826813 (cited by Department of Otolaryngology-Head and Neck Surgery, Shanghai Jiao Tong University Affiliated Sixth People’s Hospital and Women's Health and Genetics/Laboratory Corporation of America, LabCorp); PubMed 23141775 (cited by Labcorp Genetics (formerly Invitae), Labcorp and 3billion); PubMed 15150777 (cited by Labcorp Genetics (formerly Invitae), Labcorp).

NM_004004.6(GJB2):c.560_605dup (p.Cys202Ter)

Gene: GJB2 (gap junction protein beta 2; minus strand). Cytogenetic location: 13q12.11.
Variant type: Duplication.
Coding change: c.560_605dup on transcript NM_004004.6 (MANE Select); coding-DNA positions 560 to 605, 46 bases duplicated.
Protein change: p.Cys202Ter; replaces cysteine 202 with a stop codon.
Molecular consequence: nonsense.
Genome position (GRCh38, 1-based): chr13:20,188,977-20,189,022, 46 bases duplicated; duplicating any 46 consecutive bases within chr13:20,188,977-20,189,023 gives the same sequence; the c. name uses the placement nearest the transcript's 3' end. GRCh37 (hg19): chr13:20,763,117-20,763,162.
Other names: c.560_605dup (NM_004004.5); c.560_605dup46 (NM_004004.6); short protein forms C202*.
Identifiers: ClinVar variation 627447 (VCV000627447.20), dbSNP rs1566528185, ClinGen allele CA913191089.